The following is an entry in ClinVar:

NM_017617.5(NOTCH1):c.1805C>G (p.Thr602Ser)

Gene: NOTCH1 (notch receptor 1; minus strand). Cytogenetic location: 9q34.3.
Variant type: single nucleotide variant.
Coding change: c.1805C>G on transcript NM_017617.5 (MANE Select); coding-DNA position 1805, C replaced by G.
Protein change: p.Thr602Ser; replaces threonine 602 with serine.
Molecular consequence: missense variant.
Genome position (GRCh38, 1-based): chr9:136,515,581, G>C on the plus strand (C>G on the coding strand, the complement: NOTCH1 is on the minus strand). VCF-style: chr9-136515581-G-C. GRCh37 (hg19) VCF-style: chr9-139410033-G-C.
Other names: short protein forms T602S.
Identifiers: ClinVar variation 3406909 (VCV003406909.1).

ClinVar aggregate classification (germline): Uncertain significance (1 of 4 stars; one submission).

Conditions:
Familial thoracic aortic aneurysm and aortic dissection (TAAD). Also called: Thoracic aortic aneurysms and dissections. Identifiers: Orphanet 91387, MedGen C4707243, MONDO:0019625.

Submission:

Ambry Genetics
Classification: Uncertain significance for Familial thoracic aortic aneurysm and aortic dissection. Last evaluated: 2024-10-28. Review status: criteria provided, single submitter. Criteria: Ambry Variant Classification Scheme 2023. Collection method: clinical testing. Allele origin: germline.
Comment: The p.T602S variant (also known as c.1805C>G), located in coding exon 11 of the NOTCH1 gene, results from a C to G substitution at nucleotide position 1805. The threonine at codon 602 is replaced by serine, an amino acid with similar properties. This amino acid position is conserved. In addition, this alteration is predicted to be tolerated by in silico analysis. Based on the available evidence, the clinical significance of this variant remains unclear.